The following is an entry in ClinVar:

ClinVar aggregate classification (germline): Uncertain significance. Review status: criteria provided, multiple submitters, no conflicts (2 of 4 stars). 2 submissions from 2 submitters: Uncertain significance (2). Last evaluated 2025-09-01.

Conditions:
Cohen syndrome (COH1). Also called: PEPPER SYNDROME; Cutis verticis gyrata, retinitis pigmentosa, and sensorineural deafness. Identifiers: Orphanet 193, MedGen C0265223, MONDO:0008999, OMIM 216550.

Allele frequency attached by ClinVar (database versions not stated): gnomAD 0.00001; gnomAD exomes 0.00001 and 0.00002; ExAC 0.00002; TOPMed 0.00003.
gnomAD v4.1: 23 of 1,613,824 alleles (0.0014%); highest among the groups gnomAD compares: East Asian, 0.016%; no homozygotes.

Submissions (2):

CeGaT Center for Human Genetics Tuebingen
Classification: Uncertain significance. Last evaluated: 2025-09-01. Review status: criteria provided, single submitter. Criteria: CeGaT Center For Human Genetics Tuebingen Variant Classification Criteria Version 2. Collection method: clinical testing. Allele origin: germline. Affected: yes. Observed: 1 variant allele.
Comment: VPS13B: PM2

Labcorp Genetics (formerly Invitae), Labcorp
Classification: Uncertain significance for Cohen syndrome. Last evaluated: 2022-08-16. Review status: criteria provided, single submitter. Criteria: Invitae Variant Classification Sherloc (09022015). Collection method: clinical testing. Allele origin: germline.
Comment: This sequence change replaces serine, which is neutral and polar, with asparagine, which is neutral and polar, at codon 1102 of the VPS13B protein (p.Ser1102Asn). This variant is present in population databases (rs778498211, gnomAD 0.02%). This variant has not been reported in the literature in individuals affected with VPS13B-related conditions. ClinVar contains an entry for this variant (Variation ID: 1385536). Algorithms developed to predict the effect of missense changes on protein structure and function are either unavailable or do not agree on the potential impact of this missense change (SIFT: "Not Available"; PolyPhen-2: "Possibly Damaging"; Align-GVGD: "Not Available"). In summary, the available evidence is currently insufficient to determine the role of this variant in disease. Therefore, it has been classified as a Variant of Uncertain Significance.

NM_152564.5(VPS13B):c.3305G>A (p.Ser1102Asn)

Gene: VPS13B (vacuolar protein sorting 13 homolog B; plus strand). Cytogenetic location: 8q22.2.
Variant type: single nucleotide variant.
Coding change: c.3305G>A on transcript NM_152564.5 (MANE Select); coding-DNA position 3305, G replaced by A.
Protein change: p.Ser1102Asn; replaces serine 1102 with asparagine.
Molecular consequence: missense variant.
Genome position (GRCh38, 1-based): chr8:99,442,495, G>A. VCF-style: chr8-99442495-G-A. GRCh37 (hg19) VCF-style: chr8-100454723-G-A.
Other names: c.3305G>A, p.Ser1102Asn (NM_017890.5); short protein forms S1102N.
Identifiers: ClinVar variation 1385536 (VCV001385536.10), dbSNP rs778498211, ClinGen allele CA4823221.